The following is an entry in ClinVar:

ClinVar aggregate classification (germline): Uncertain significance (1 of 4 stars; one submission).

Conditions:
Hereditary hyperferritinemia with congenital cataracts. Also called: Hereditary hyperferritinemia cataract syndrome; Bonneau-Beaumont syndrome; HYPERFERRITINEMIA WITH OR WITHOUT CATARACT. Identifiers: Orphanet 163, MedGen C1833213, MONDO:0010952, OMIM 600886.
Neuroferritinopathy (NBIA3). Also called: BASAL GANGLIA DISEASE, ADULT-ONSET; NEURODEGENERATION WITH BRAIN IRON ACCUMULATION 3. Identifiers: Orphanet 157846, MedGen C1853578, MONDO:0011638, OMIM 606159.

Allele frequency attached by ClinVar (database versions not stated): gnomAD 0.00001; TOPMed 0.00001.

Submission:

Labcorp Genetics (formerly Invitae), Labcorp
Classification: Uncertain significance for Neuroferritinopathy; Hereditary hyperferritinemia with congenital cataracts. Last evaluated: 2023-12-07. Review status: criteria provided, single submitter. Criteria: Invitae Variant Classification Sherloc (09022015). Collection method: clinical testing. Allele origin: germline.
Comment: This variant occurs in a non-coding region of the FTL gene. It does not change the encoded amino acid sequence of the FTL protein. This variant is not present in population databases (gnomAD no frequency). This variant has not been reported in the literature in individuals affected with FTL-related conditions. Experimental studies and prediction algorithms are not available or were not evaluated, and the functional significance of this variant is currently unknown. In summary, the available evidence is currently insufficient to determine the role of this variant in disease. Therefore, it has been classified as a Variant of Uncertain Significance.

NC_000019.10:g.48965305C>T

Gene: FTL (ferritin light chain; plus strand). Cytogenetic location: 19q13.33.
Variant type: single nucleotide variant.
Genome position: GRCh38 VCF-style: chr19-48965305-C-T. GRCh37 (hg19) VCF-style: chr19-49468562-C-T.
Identifiers: ClinVar variation 2922031 (VCV002922031.3), dbSNP rs1210846828, ClinGen allele CA883052054.